The following is an entry in ClinVar:

NM_000069.3(CACNA1S):c.32T>G (p.Leu11Arg)

Gene: CACNA1S (calcium voltage-gated channel subunit alpha1 S; minus strand). Cytogenetic location: 1q32.1.
Variant type: single nucleotide variant.
Coding change: c.32T>G on transcript NM_000069.3 (MANE Select); coding-DNA position 32, T replaced by G.
Protein change: p.Leu11Arg; replaces leucine 11 with arginine.
Molecular consequence: missense variant.
Genome position (GRCh38, 1-based): chr1:201,112,308, A>C on the plus strand (T>G on the coding strand, the complement: CACNA1S is on the minus strand). VCF-style: chr1-201112308-A-C. GRCh37 (hg19) VCF-style: chr1-201081436-A-C.
Other names: short protein forms L11R.
Identifiers: ClinVar variation 2484811 (VCV002484811.7), dbSNP rs1420388292, ClinGen allele CA344158674.

ClinVar aggregate classification (germline): Conflicting classifications of pathogenicity. Review status: criteria provided, conflicting classifications (1 of 4 stars). 4 submissions from 4 submitters: Uncertain significance (3); Likely benign (1). Last evaluated 2024-01-29.

Conditions:
Hypokalemic periodic paralysis, type 1. Also called: Hypokalemic Periodic Paralysis Type 1 (AD); HypoPP. Identifiers: Orphanet 681, MedGen C3714580, MONDO:0042979, OMIM 170400.
Malignant hyperthermia, susceptibility to, 5 (MHS5). Also called: CACNA1S-Related Malignant Hyperthermia Susceptibility. Identifiers: Orphanet 423, MedGen C1866077, MONDO:0011163, OMIM 601887.
Inborn genetic diseases. Identifiers: MedGen C0950123, MeSH D030342.
Congenital myopathy 18. Also called: DIHYDROPYRIDINE RECEPTOR CONGENITAL MYOPATHY; DHPR CONGENITAL MYOPATHY; Myopathy, congenital, due to dihydropyridine receptor defect. Identifiers: MedGen C5830283, MONDO:0859514, OMIM 620246.
Thyrotoxic periodic paralysis, susceptibility to, 1 (TTPP1). Identifiers: Orphanet 79102, MedGen C2749982, MONDO:0008570, OMIM 188580.

Allele frequency attached by ClinVar (database versions not stated): gnomAD exomes below 0.00001; gnomAD 0.00001; TOPMed 0.00002.
gnomAD v4.1: 11 of 1,613,278 alleles (0.00068%); highest among the groups gnomAD compares: African/African-American, 0.008%; no homozygotes.

Submissions (4):

Fulgent Genetics
Classification: Uncertain significance for Hypokalemic periodic paralysis, type 1; Thyrotoxic periodic paralysis, susceptibility to, 1; Malignant hyperthermia, susceptibility to, 5; Congenital myopathy 18. Last evaluated: 2024-01-29. Review status: criteria provided, single submitter. Criteria: ACMG Guidelines, 2015. Collection method: clinical testing. Allele origin: germline.

All of Us Research Program, National Institutes of Health
Classification: Uncertain significance for Malignant hyperthermia, susceptibility to, 5. Last evaluated: 2023-07-22. Review status: criteria provided, single submitter. Criteria: ACMG Guidelines, 2015. Collection method: clinical testing. Allele origin: germline. Inheritance: Autosomal dominant inheritance. Observed: 2 variant alleles, 2 heterozygotes.
Comment: This missense variant replaces leucine with arginine at codon 11 of the CACNA1S protein. Computational prediction suggests that this variant may not impact protein structure and function (internally defined REVEL score threshold <= 0.5, PMID: 27666373). To our knowledge, functional studies have not been reported for this variant. This variant has not been reported in individuals affected with CACNA1S-related disorders in the literature. This variant has been identified in 1/31224 chromosomes in the general population by the Genome Aggregation Database (gnomAD). The available evidence is insufficient to determine the role of this variant in disease conclusively. Therefore, this variant is classified as a Variant of Uncertain Significance.

This study involves interpretation of variants in research participants for the purpose of population health screening. Participant phenotype was not available at the time of variant classification. Additional details can be found in publication PMID: 35346344, PMCID: PMC8962531

Ambry Genetics
Classification: Uncertain significance for Inborn genetic diseases. Last evaluated: 2023-02-15. Review status: criteria provided, single submitter. Criteria: Ambry Variant Classification Scheme 2023. Collection method: clinical testing. Allele origin: germline.

Labcorp Genetics (formerly Invitae), Labcorp
Classification: Likely benign for Hypokalemic periodic paralysis, type 1; Malignant hyperthermia, susceptibility to, 5. Last evaluated: 2023-02-02. Review status: criteria provided, single submitter. Criteria: Invitae Variant Classification Sherloc (09022015). Collection method: clinical testing. Allele origin: germline.